The following is an entry in ClinVar:

NM_005859.5(PURA):c.550C>T (p.Gln184Ter)

Gene: PURA (purine rich element binding protein A; plus strand). Cytogenetic location: 5q31.3.
Variant type: single nucleotide variant.
Coding change: c.550C>T on transcript NM_005859.5 (MANE Select); coding-DNA position 550, C replaced by T.
Protein change: p.Gln184Ter; replaces glutamine 184 with a stop codon.
Molecular consequence: nonsense.
Genome position (GRCh38, 1-based): chr5:140,114,731, C>T. VCF-style: chr5-140114731-C-T. GRCh37 (hg19) VCF-style: chr5-139494316-C-T.
Other names: short protein forms Q184*.
Identifiers: ClinVar variation 3776144 (VCV003776144.1).

ClinVar aggregate classification (germline): Pathogenic (1 of 4 stars; one submission).

Conditions:
PURA-related severe neonatal hypotonia-seizures-encephalopathy syndrome (NEDRIHF). Also called: NEURODEVELOPMENTAL DISORDER WITH NEONATAL RESPIRATORY INSUFFICIENCY, HYPOTONIA, AND FEEDING DIFFICULTIES; PURA-Related Neurodevelopmental Disorders. Identifiers: Orphanet 438213, Orphanet 438216, MedGen C4015357, MONDO:1060108, OMIM 616158, MONDO:0018580.

Submission:

3billion
Classification: Pathogenic for PURA-related severe neonatal hypotonia-seizures-encephalopathy syndrome. Last evaluated: 2023-08-04. Review status: criteria provided, single submitter. Criteria: ACMG Guidelines, 2015. Collection method: clinical testing. Allele origin: germline. Affected: yes.
Comment: The variant is not observed in the gnomAD v2.1.1 dataset. Predicted Consequence/Location: Stop-gained (nonsense): predicted to result in a loss or disruption of normal protein function through protein truncation. Multiple pathogenic variants are reported in the predicted truncated region. The variant has been previously reported as de novo in a similarly affected individual (PMID: 36376392). The variant has been reported to be associated with PURA related disorder (PMID: 36376392). Therefore, this variant is classified as Pathogenic according to the recommendation of ACMG/AMP guideline.

Literature cited by the submitters: PubMed 36376392.